The following is an entry in ClinVar:

ClinVar aggregate classification (germline): Uncertain significance. Review status: criteria provided, multiple submitters, no conflicts (2 of 4 stars). 5 submissions from 5 submitters: Uncertain significance (4). 1 of the submissions does not count toward it. Last evaluated 2025-12-26.

Conditions:
FBN2-related disorder. Also called: FBN2-related condition.
Familial thoracic aortic aneurysm and aortic dissection (TAAD). Also called: Thoracic aortic aneurysms and dissections. Identifiers: Orphanet 91387, MedGen C4707243, MONDO:0019625.
Congenital contractural arachnodactyly (CCA). Also called: Beals-Hecht syndrome; BEALS SYNDROME; Arthrogryposis, distal, type 9. Identifiers: Orphanet 115, MedGen C0220668, MONDO:0007363, OMIM 121050.

Allele frequency attached by ClinVar (database versions not stated): TOPMed below 0.00001; ExAC 0.00001; gnomAD 0.00001; gnomAD exomes 0.00001.
gnomAD v4.1: 5 of 1,614,008 alleles (0.00031%); highest among the groups gnomAD compares: Admixed American, 0.0033%; no homozygotes.

Submissions (5):

Labcorp Genetics (formerly Invitae), Labcorp
Classification: Uncertain significance for Congenital contractural arachnodactyly. Last evaluated: 2025-12-26. Review status: criteria provided, single submitter. Criteria: Invitae Variant Classification Sherloc (09022015). Collection method: clinical testing. Allele origin: germline.
Comment: This sequence change replaces methionine, which is neutral and non-polar, with threonine, which is neutral and polar, at codon 2320 of the FBN2 protein (p.Met2320Thr). This variant is present in population databases (rs749681942, gnomAD 0.003%). This variant has not been reported in the literature in individuals affected with FBN2-related conditions. ClinVar contains an entry for this variant (Variation ID: 213425). Invitae Evidence Modeling of protein sequence and biophysical properties (such as structural, functional, and spatial information, amino acid conservation, physicochemical variation, residue mobility, and thermodynamic stability) indicates that this missense variant is not expected to disrupt FBN2 protein function with a negative predictive value of 80%. In summary, the available evidence is currently insufficient to determine the role of this variant in disease. Therefore, it has been classified as a Variant of Uncertain Significance.

Ambry Genetics
Classification: Uncertain significance for Familial thoracic aortic aneurysm and aortic dissection. Last evaluated: 2025-06-13. Review status: criteria provided, single submitter. Criteria: Ambry Variant Classification Scheme 2023. Collection method: clinical testing. Allele origin: germline.
Comment: The p.M2320T variant (also known as c.6959T>C), located in coding exon 55 of the FBN2 gene, results from a T to C substitution at nucleotide position 6959. The methionine at codon 2320 is replaced by threonine, an amino acid with similar properties. This amino acid position is highly conserved in available vertebrate species. In addition, the in silico prediction for this alteration is inconclusive. Based on the available evidence, the clinical significance of this variant remains unclear.

Illumina Laboratory Services, Illumina
Classification: Uncertain significance for Congenital contractural arachnodactyly. Last evaluated: 2017-04-28. Review status: criteria provided, single submitter. Criteria: ICSL Variant Classification Criteria 13 December 2019. Collection method: clinical testing. Allele origin: germline.

GeneDx
Classification: Uncertain significance. Last evaluated: 2016-05-26. Review status: criteria provided, single submitter. Criteria: GeneDx Variant Classification (06012015). Collection method: clinical testing. Allele origin: germline. Affected: yes.
Comment: The M2320T variant has not been published as a pathogenic variant, nor has it been reported as a benign variant to our knowledge. This variant was not observed in approximately 6,500 individuals of European and African American ancestry in the NHLBI Exome Sequencing Project, indicating it is not a common benign variant in these populations. The M2320T variant is a non-conservative amino acid substitution, which is likely to impact secondary protein structure as these residues differ in polarity, charge, size and/or other properties. Additionally, this substitution occurs within a calcium-binding EGF-like domain at a position where only amino acids with similar properties to Methionine are tolerated across species. Nevertheless, the M2320T variant does not affect a Cysteine residue within a calcium-binding EGF-like domain of the FBN2 gene. Cysteine substitutions in the calcium-binding EGF-like domains represent the majority of pathogenic missense changes associated with CCA (Collod-Beroud et al., 2003; Frederic et al., 2009). Furthermore, in silico analysis is inconsistent in its predictions as to whether or not the variant is damaging to the protein structure/function. Therefore, based on the currently available information, it is unclear whether this variant is pathogenic or rare benign.

PreventionGenetics, part of Exact Sciences
Classification: Uncertain significance for FBN2-related condition. Last evaluated: 2024-04-11. Review status: no assertion criteria provided. Collection method: clinical testing. Allele origin: germline. Not counted in ClinVar's aggregate classification.
Comment: The FBN2 c.6959T>C variant is predicted to result in the amino acid substitution p.Met2320Thr. To our knowledge, this variant has not been reported in the literature. This variant is reported in 0.0028% of alleles in individuals of Latino descent in gnomAD. At this time, the clinical significance of this variant is uncertain due to the absence of conclusive functional and genetic evidence.

NM_001999.4(FBN2):c.6959T>C (p.Met2320Thr)

Gene: FBN2 (fibrillin 2; minus strand). Cytogenetic location: 5q23.3.
Variant type: single nucleotide variant.
Coding change: c.6959T>C on transcript NM_001999.4 (MANE Select); coding-DNA position 6959, T replaced by C.
Protein change: p.Met2320Thr; replaces methionine 2320 with threonine.
Molecular consequence: missense variant.
Genome position (GRCh38, 1-based): chr5:128,286,771, A>G on the plus strand (T>C on the coding strand, the complement: FBN2 is on the minus strand). VCF-style: chr5-128286771-A-G. GRCh37 (hg19) VCF-style: chr5-127622463-A-G.
Other names: short protein forms M2320T.
Identifiers: ClinVar variation 213425 (VCV000213425.13), dbSNP rs749681942, ClinGen allele CA320528.